The following is an entry in ClinVar:

NM_014639.4(SKIC3):c.2613_2614delinsTG (p.Leu872Val)

Gene: SKIC3 (SKI3 subunit of superkiller complex; minus strand). Cytogenetic location: 5q15.
Variant type: Indel.
Coding change: c.2613_2614delinsTG on transcript NM_014639.4 (MANE Select); coding-DNA positions 2613 to 2614, CC replaced by TG.
Protein change: p.Leu872Val; replaces leucine 872 with valine.
Molecular consequence: missense variant.
Genome position (GRCh38, 1-based): chr5:95,516,373-95,516,374, GG replaced by CA on the plus strand (CC replaced by TG on the coding strand, the reverse complement: SKIC3 is on the minus strand). VCF-style: chr5-95516373-GG-CA. GRCh37 (hg19) VCF-style: chr5-94852077-GG-CA.
Other names: short protein forms L872V.
Identifiers: ClinVar variation 1412417 (VCV001412417.6), dbSNP rs2112317592, ClinGen allele CA2573140054.
Genomic context (GRCh38, chr5:95,516,373, plus strand): 5'-ATTCTTTGTTTTAAATATGACAGACAGGCAACATATTTACCTCAATGTTTTCATTTGTGA[GG>CA]TATAACACTCCCAAGTTGGTCCATGCAACAGCATTCTAAAAAACATAACATTTTTTTTCT-3'
Protein context (NP_055454.1, residues 862-882): VAWTNLGVLY[Leu872Val]TNENIEQAHE

ClinVar aggregate classification (germline): Uncertain significance (1 of 4 stars; one submission).

Submission:

Labcorp Genetics (formerly Invitae), Labcorp
Classification: Uncertain significance. Last evaluated: 2021-01-19. Review status: criteria provided, single submitter. Criteria: Invitae Variant Classification Sherloc (09022015). Collection method: clinical testing. Allele origin: germline.
Comment: This sequence change replaces leucine with valine at codon 872 of the TTC37 protein (p.Leu872Val). The leucine residue is moderately conserved and there is a small physicochemical difference between leucine and valine. In summary, the available evidence is currently insufficient to determine the role of this variant in disease. Therefore, it has been classified as a Variant of Uncertain Significance. Experimental studies and prediction algorithms are not available or were not evaluated, and the functional significance of this variant is currently unknown. This variant has not been reported in the literature in individuals with TTC37-related conditions. The frequency data for this variant in the population databases is not available, as this variant may be reported as separate entries in the ExAC database.